The following is an entry in ClinVar:

NM_000321.3(RB1):c.2424C>A (p.Pro808=)

Gene: RB1 (RB transcriptional corepressor 1; plus strand). Cytogenetic location: 13q14.2.
Variant type: single nucleotide variant.
Coding change: c.2424C>A on transcript NM_000321.3 (MANE Select); coding-DNA position 2424, C replaced by A.
Protein change: p.Pro808=; no amino-acid change (proline 808 retained).
Molecular consequence: synonymous variant.
Genome position (GRCh38, 1-based): chr13:48,465,303, C>A. VCF-style: chr13-48465303-C-A. GRCh37 (hg19) VCF-style: chr13-49039439-C-A.
Other names: c.2424C>A, p.Pro808= (NM_001407165.1).
Identifiers: ClinVar variation 1791053 (VCV001791053.6), dbSNP rs2138345949, ClinGen allele CA483740319.
Genomic context (GRCh38, chr13:48,465,303, plus strand): 5'-CCCTTACAAGTTTCCTAGTTCACCCTTACGGATTCCTGGAGGGAACATCTATATTTCACC[C>A]CTGAAGAGTCCATATAAAATTTCAGAAGGTCTGCCAACACCAACAAAAATGACTCCAAGA-3'
Protein context (NP_000312.2, residues 798-818): RIPGGNIYIS[Pro808=]LKSPYKISEG

ClinVar aggregate classification (germline): Likely benign. Review status: criteria provided, multiple submitters, no conflicts (2 of 4 stars). 3 submissions from 3 submitters: Likely benign (3). Last evaluated 2025-10-14.

Conditions:
Hereditary cancer-predisposing syndrome. Also called: Hereditary Cancer Syndrome; Hereditary neoplastic syndrome; Tumor predisposition; Neoplastic Syndromes, Hereditary. Identifiers: Orphanet 140162, MedGen C0027672, MeSH D009386, MONDO:0015356.
Retinoblastoma (RB1). Also called: RETINOBLASTOMA, SOMATIC. Identifiers: Orphanet 790, MedGen C0035335, MeSH D012175, MONDO:0008380, OMIM 180200, HP:0009919. Disease mechanism: loss of function. Inheritance: Both sporadic and heritable forms are tested..

Allele frequency attached by ClinVar (database versions not stated): gnomAD exomes below 0.00001.
gnomAD v4.1: 1 of 1,610,964 alleles (0.000062%); highest among the groups gnomAD compares: Non-Finnish European, 0.000085%; no homozygotes.

Submissions (3):

Labcorp Genetics (formerly Invitae), Labcorp
Classification: Likely benign for Retinoblastoma. Last evaluated: 2025-10-14. Review status: criteria provided, single submitter. Criteria: Invitae Variant Classification Sherloc (09022015). Collection method: clinical testing. Allele origin: germline.

All of Us Research Program, National Institutes of Health
Classification: Likely benign for Retinoblastoma. Last evaluated: 2023-10-27. Review status: criteria provided, single submitter. Criteria: ACMG Guidelines, 2015. Collection method: clinical testing. Allele origin: germline. Inheritance: Autosomal dominant inheritance. Observed: 4 variant alleles, 4 heterozygotes.
Comment: This study involves interpretation of variants in research participants for the purpose of population health screening. Participant phenotype was not available at the time of variant classification. Additional details can be found in publication PMID: 35346344, PMCID: PMC8962531

Ambry Genetics
Classification: Likely benign for Hereditary cancer-predisposing syndrome. Last evaluated: 2019-10-22. Review status: criteria provided, single submitter. Criteria: Ambry Variant Classification Scheme 2023. Collection method: clinical testing. Allele origin: germline.